The following is an entry in ClinVar:

ClinVar aggregate classification (germline): Conflicting classifications of pathogenicity. Review status: criteria provided, conflicting classifications (1 of 4 stars). 2 submissions from 2 submitters: Uncertain significance (1); Likely benign (1). Last evaluated 2025-11-26.

Submissions (2):

Labcorp Genetics (formerly Invitae), Labcorp
Classification: Likely benign. Last evaluated: 2025-11-26. Review status: criteria provided, single submitter. Criteria: Invitae Variant Classification Sherloc (09022015). Collection method: clinical testing. Allele origin: germline.

Women's Health and Genetics/Laboratory Corporation of America, LabCorp
Classification: Uncertain significance. Last evaluated: 2025-10-28. Review status: criteria provided, single submitter. Criteria: LabCorp Variant Classification Summary - May 2015. Collection method: clinical testing. Allele origin: germline.
Comment: Variant summary: SON c.3153_3179del27 (p.Pro1052_Ser1060del) results in an in-frame deletion that is predicted to remove nine amino acids from the encoded protein. The frequency data for this variant in gnomAD is considered unreliable, as metrics indicate poor data quality at this position. To our knowledge, no occurrence of c.3153_3179del27 in individuals affected with SON-related conditions and no experimental evidence demonstrating its impact on protein function have been reported. ClinVar contains an entry for this variant (Variation ID: 2193100). Based on the evidence outlined above, the variant was classified as uncertain significance.

NM_138927.4(SON):c.3153_3179del (p.Pro1052_Ser1060del)

Gene: SON (SON DNA and RNA binding protein; plus strand). Cytogenetic location: 21q22.11.
Variant type: Deletion.
Coding change: c.3153_3179del on transcript NM_138927.4 (MANE Select); coding-DNA positions 3153 to 3179, 27 bases deleted (CCCTATGGCTGAGCGCTCTATGATGTC).
Protein change: p.Pro1052_Ser1060del.
Molecular consequence: inframe deletion. On other transcripts: inframe indel (3), non-coding transcript variant (1), intron variant (1).
Genome position (GRCh38, 1-based): chr21:33,552,384-33,552,410, CCCTATGGCTGAGCGCTCTATGATGTC deleted; deleting any 27 consecutive bases within chr21:33,552,367-33,552,410 gives the same sequence; the c. name uses the placement nearest the transcript's 3' end. VCF-style (leftmost placement, unchanged base first): chr21-33552366-CGAGCGCTCTATGATGTCCCCTATGGCT-C. GRCh37 (hg19) VCF-style: chr21-34924672-CGAGCGCTCTATGATGTCCCCTATGGCT-C.
Other names: c.3153_3179del, p.Pro1052_Ser1060del (NM_001291411.2, NM_032195.3); c.3153_3179del27, p.Pro1052_Ser1060del (NM_001412133.1, NM_058183.2, NM_138926.1); c.245-4772_245-4746del (NM_001291412.3); c.3153_3179del27 (NM_138927.4).
Identifiers: ClinVar variation 2193100 (VCV002193100.5), dbSNP rs780229320, ClinGen allele CA10009217.